The following is an entry in ClinVar:

ClinVar aggregate classification (germline): Uncertain significance (1 of 4 stars; one submission).

gnomAD v4.1: 6 of 1,592,150 alleles (0.00038%); highest among the groups gnomAD compares: East Asian, 0.011%; no homozygotes.

Submission:

GeneDx
Classification: Uncertain significance. Last evaluated: 2026-08-19. Review status: criteria provided, single submitter. Criteria: GeneDx Variant Classification Process June 2021. Collection method: clinical testing. Allele origin: germline.
Comment: In silico analysis suggests that this missense variant does not alter protein structure/function; Has not been previously published as pathogenic or benign to our knowledge

NM_000601.6(HGF):c.1553T>C (p.Ile518Thr)

Gene: HGF (hepatocyte growth factor; minus strand). Cytogenetic location: 7q21.11.
Variant type: single nucleotide variant.
Coding change: c.1553T>C on transcript NM_000601.6 (MANE Select); coding-DNA position 1553, T replaced by C.
Protein change: p.Ile518Thr; replaces isoleucine 518 with threonine.
Molecular consequence: missense variant.
Genome position (GRCh38, 1-based): chr7:81,707,353, A>G on the plus strand (T>C on the coding strand, the complement: HGF is on the minus strand). VCF-style: chr7-81707353-A-G. GRCh37 (hg19) VCF-style: chr7-81336669-A-G.
Other names: c.1538T>C, p.Ile513Thr (NM_001010932.3); short protein forms I513T, I518T.
Identifiers: ClinVar variation 3391718 (VCV003391718.2).
Genomic context (GRCh38, chr7:81,707,353, plus strand): 5'-GAAGGGAAACACTGTCGTGCAGTAAGAACCCAACTCTCCTTTATCAATGATCCTCCGCAG[A>G]TATGTTTATTTCTGTGAAAAAGAGGAAAGAGAAACAAGTAACATCTGTGCAGAAAGAGTG-3'
Protein context (NP_000592.3, residues 508-528): MVSLRYRNKH[Ile518Thr]CGGSLIKESW